The following is an entry in ClinVar:

ClinVar aggregate classification (germline): Uncertain significance (1 of 4 stars; one submission).

Conditions:
ALG1-congenital disorder of glycosylation. Also called: CONGENITAL DISORDER OF GLYCOSYLATION, TYPE Ik; ALG1-CDG; CDG Ik. Identifiers: Orphanet 79327, MedGen C2931005, MONDO:0012052, OMIM 608540.

Allele frequency attached by ClinVar (database versions not stated): TOPMed 0.00001.
gnomAD v4.1: 43 of 1,604,716 alleles (0.0027%); highest among the groups gnomAD compares: Non-Finnish European, 0.0035%; no homozygotes.

Submission:

Labcorp Genetics (formerly Invitae), Labcorp
Classification: Uncertain significance for ALG1-congenital disorder of glycosylation. Last evaluated: 2022-05-28. Review status: criteria provided, single submitter. Criteria: Invitae Variant Classification Sherloc (09022015). Collection method: clinical testing. Allele origin: germline.
Comment: This sequence change replaces leucine, which is neutral and non-polar, with valine, which is neutral and non-polar, at codon 9 of the ALG1 protein (p.Leu9Val). This variant is present in population databases (rs771370322, gnomAD 0.001%). This variant has not been reported in the literature in individuals affected with ALG1-related conditions. Advanced modeling of protein sequence and biophysical properties (such as structural, functional, and spatial information, amino acid conservation, physicochemical variation, residue mobility, and thermodynamic stability) performed at Invitae indicates that this missense variant is not expected to disrupt ALG1 protein function. In summary, the available evidence is currently insufficient to determine the role of this variant in disease. Therefore, it has been classified as a Variant of Uncertain Significance.

NM_019109.5(ALG1):c.25C>G (p.Leu9Val)

Genes: ALG1 (ALG1 chitobiosyldiphosphodolichol beta-mannosyltransferase; plus strand), LOC130058383 (ATAC-STARR-seq lymphoblastoid active region 10348; plus strand). Cytogenetic location: 16p13.3.
Variant type: single nucleotide variant.
Coding change: c.25C>G on transcript NM_019109.5 (MANE Select); coding-DNA position 25, C replaced by G.
Protein change: p.Leu9Val; replaces leucine 9 with valine.
Molecular consequence: missense variant.
Genome position (GRCh38, 1-based): chr16:5,071,874, C>G. VCF-style: chr16-5071874-C-G. GRCh37 (hg19) VCF-style: chr16-5121875-C-G.
Other names: short protein forms L9V.
Identifiers: ClinVar variation 2417000 (VCV002417000.4), dbSNP rs771370322, ClinGen allele CA7889642.
Genomic context (GRCh38, chr16:5,071,874, plus strand): 5'-GAAGCGCGGTCACGTGACTGCTGCGGGCCAGCCAAGATGGCGGCCTCATGCTTGGTCCTG[C>G]TGGCGCTGTGTCTGCTGCTGCCGCTGCTGCTGCTGGGAGGATGGAAGCGCTGGCGCCGGG-3'
Protein context (NP_061982.3, residues 1-19): MAASCLVL[Leu9Val]ALCLLLPLLL